The following is an entry in ClinVar:

NM_002878.4(RAD51D):c.211C>T (p.Leu71Phe)

Genes: RAD51D (RAD51 paralog D; minus strand), RAD51L3-RFFL (RAD51L3-RFFL readthrough; minus strand). Cytogenetic location: 17q12.
Variant type: single nucleotide variant.
Coding change: c.211C>T on transcript NM_002878.4 (MANE Select); coding-DNA position 211, C replaced by T.
Protein change: p.Leu71Phe; replaces leucine 71 with phenylalanine.
Molecular consequence: missense variant. On other transcripts: intron variant (2).
Genome position (GRCh38, 1-based): chr17:35,118,553, G>A on the plus strand (C>T on the coding strand, the complement: RAD51D is on the minus strand). VCF-style: chr17-35118553-G-A. GRCh37 (hg19) VCF-style: chr17-33445572-G-A.
Other names: c.144+558C>T (NM_133629.3, NM_001142571.2); short protein forms L71F.
Identifiers: ClinVar variation 962391 (VCV000962391.10), dbSNP rs2091776847, ClinGen allele CA399091320.

ClinVar aggregate classification (germline): Uncertain significance. Review status: criteria provided, multiple submitters, no conflicts (2 of 4 stars). 2 submissions from 2 submitters: Uncertain significance (2). Last evaluated 2024-10-29.

Conditions:
Hereditary cancer-predisposing syndrome. Also called: Tumor predisposition; Hereditary neoplastic syndrome; Hereditary Cancer Syndrome; Neoplastic Syndromes, Hereditary. Identifiers: Orphanet 140162, MedGen C0027672, MeSH D009386, MONDO:0015356.
Breast-ovarian cancer, familial, susceptibility to, 4. Identifiers: Orphanet 145, MedGen C3280345, MONDO:0013669, OMIM 614291.

Allele frequency attached by ClinVar (database versions not stated): gnomAD exomes 0.00001.

Submissions (2):

Ambry Genetics
Classification: Uncertain significance for Hereditary cancer-predisposing syndrome. Last evaluated: 2024-10-29. Review status: criteria provided, single submitter. Criteria: Ambry Variant Classification Scheme 2023. Collection method: clinical testing. Allele origin: germline.
Comment: The p.L71F variant (also known as c.211C>T), located in coding exon 3 of the RAD51D gene, results from a C to T substitution at nucleotide position 211. The leucine at codon 71 is replaced by phenylalanine, an amino acid with highly similar properties. This alteration was identified in an individual diagnosed with breast and/or ovarian cancer (Golmard L et al. BMC Cancer, 2013 Oct;13:484). This amino acid position is well conserved in available vertebrate species. In addition, this alteration is predicted to be tolerated by in silico analysis. Based on the available evidence, the clinical significance of this variant remains unclear.

Labcorp Genetics (formerly Invitae), Labcorp
Classification: Uncertain significance for Breast-ovarian cancer, familial, susceptibility to, 4. Last evaluated: 2024-04-05. Review status: criteria provided, single submitter. Criteria: Invitae Variant Classification Sherloc (09022015). Collection method: clinical testing. Allele origin: germline.
Comment: This sequence change replaces leucine, which is neutral and non-polar, with phenylalanine, which is neutral and non-polar, at codon 71 of the RAD51D protein (p.Leu71Phe). This variant is not present in population databases (gnomAD no frequency). This variant has not been reported in the literature in individuals affected with RAD51D-related conditions. ClinVar contains an entry for this variant (Variation ID: 962391). Advanced modeling of protein sequence and biophysical properties (such as structural, functional, and spatial information, amino acid conservation, physicochemical variation, residue mobility, and thermodynamic stability) performed at Invitae indicates that this missense variant is not expected to disrupt RAD51D protein function with a negative predictive value of 80%. In summary, the available evidence is currently insufficient to determine the role of this variant in disease. Therefore, it has been classified as a Variant of Uncertain Significance.

Literature cited by the submitters: PubMed 24139550 (cited by Ambry Genetics).